The following is an entry in ClinVar:

NM_015693.4(INTU):c.530A>C (p.Glu177Ala)

Gene: INTU (inturned planar cell polarity protein; plus strand). Cytogenetic location: 4q28.1.
Variant type: single nucleotide variant.
Coding change: c.530A>C on transcript NM_015693.4 (MANE Select); coding-DNA position 530, A replaced by C.
Protein change: p.Glu177Ala; replaces glutamic acid 177 with alanine.
Molecular consequence: missense variant.
Genome position (GRCh38, 1-based): chr4:127,643,904, A>C. VCF-style: chr4-127643904-A-C. GRCh37 (hg19) VCF-style: chr4-128565059-A-C.
Other names: short protein forms E177A.
Identifiers: ClinVar variation 3680727 (VCV003680727.2).

ClinVar aggregate classification (germline): Uncertain significance (1 of 4 stars; one submission).

gnomAD v4.1: 25 of 1,614,078 alleles (0.0015%); highest among the groups gnomAD compares: Non-Finnish European, 0.0021%; no homozygotes.

Submission:

Labcorp Genetics (formerly Invitae), Labcorp
Classification: Uncertain significance. Last evaluated: 2024-07-08. Review status: criteria provided, single submitter. Criteria: Invitae Variant Classification Sherloc (09022015). Collection method: clinical testing. Allele origin: germline.
Comment: This sequence change replaces glutamic acid, which is acidic and polar, with alanine, which is neutral and non-polar, at codon 177 of the INTU protein (p.Glu177Ala). This variant is present in population databases (rs779080073, gnomAD 0.006%). This variant has not been reported in the literature in individuals affected with INTU-related conditions. Advanced modeling of protein sequence and biophysical properties (such as structural, functional, and spatial information, amino acid conservation, physicochemical variation, residue mobility, and thermodynamic stability) performed at Invitae indicates that this missense variant is not expected to disrupt INTU protein function with a negative predictive value of 80%. In summary, the available evidence is currently insufficient to determine the role of this variant in disease. Therefore, it has been classified as a Variant of Uncertain Significance.